The following is an entry in ClinVar:

NM_001161352.2(KCNMA1):c.3289C>T (p.Arg1097Cys)

Genes: KCNMA1 (potassium calcium-activated channel subfamily M alpha 1; minus strand), KCNMA1-AS1 (KCNMA1 antisense RNA 1; plus strand). Cytogenetic location: 10q22.3.
Variant type: single nucleotide variant.
Coding change: c.3289C>T on transcript NM_001161352.2 (MANE Select); coding-DNA position 3289, C replaced by T.
Protein change: p.Arg1097Cys; replaces arginine 1097 with cysteine.
Molecular consequence: missense variant.
Genome position (GRCh38, 1-based): chr10:76,891,578, G>A on the plus strand (C>T on the coding strand, the complement: KCNMA1 is on the minus strand). VCF-style: chr10-76891578-G-A. GRCh37 (hg19) VCF-style: chr10-78651336-G-A.
Other names: c.3115C>T (NM_002247.3); c.3127C>T, p.Arg1043Cys (NM_001014797.3); c.3238C>T, p.Arg1080Cys (NM_001161353.2); c.2965C>T, p.Arg989Cys (NM_001271518.2); c.3205C>T, p.Arg1069Cys (NM_001271519.2); c.3124C>T, p.Arg1042Cys (NM_001322829.2, NM_001322836.2); c.3217C>T, p.Arg1073Cys (NM_001322830.2); c.3115C>T, p.Arg1039Cys (NM_001322832.2, NM_002247.4); and 2 more; short protein forms R1070C, R888C, R1039C, R1042C, R1043C, R1097C, R1069C, R1073C.
Identifiers: ClinVar variation 1423637 (VCV001423637.9), dbSNP rs2151872034, ClinGen allele CA377403390.

ClinVar aggregate classification (germline): Uncertain significance. Review status: criteria provided, multiple submitters, no conflicts (2 of 4 stars). 2 submissions from 2 submitters: Uncertain significance (2). Last evaluated 2025-08-09.

Conditions:
Generalized epilepsy-paroxysmal dyskinesia syndrome (PNKD3). Also called: Generalized epilepsy and paroxysmal dyskinesia; Paroxysmal nonkinesigenic dyskinesia, 3, with or without generalized epilepsy. Identifiers: Orphanet 79137, MedGen C5574945, MONDO:0012276, OMIM 609446.
Inborn genetic diseases. Identifiers: MedGen C0950123, MeSH D030342.

gnomAD v4.1: 1 of 1,613,906 alleles (0.000062%); highest among the groups gnomAD compares: Non-Finnish European, 0.000085%; no homozygotes.

Submissions (2):

Ambry Genetics
Classification: Uncertain significance for Inborn genetic diseases. Last evaluated: 2025-08-09. Review status: criteria provided, single submitter. Criteria: Ambry Variant Classification Scheme 2023. Collection method: clinical testing. Allele origin: germline.

Labcorp Genetics (formerly Invitae), Labcorp
Classification: Uncertain significance for Generalized epilepsy-paroxysmal dyskinesia syndrome. Last evaluated: 2023-11-13. Review status: criteria provided, single submitter. Criteria: Invitae Variant Classification Sherloc (09022015). Collection method: clinical testing. Allele origin: germline.
Comment: This sequence change replaces arginine, which is basic and polar, with cysteine, which is neutral and slightly polar, at codon 1039 of the KCNMA1 protein (p.Arg1039Cys). This variant is not present in population databases (gnomAD no frequency). This variant has not been reported in the literature in individuals affected with KCNMA1-related conditions. ClinVar contains an entry for this variant (Variation ID: 1423637). An algorithm developed to predict the effect of missense changes on protein structure and function (PolyPhen-2) suggests that this variant is likely to be disruptive. In summary, the available evidence is currently insufficient to determine the role of this variant in disease. Therefore, it has been classified as a Variant of Uncertain Significance.